The following is an entry in ClinVar:

NM_000179.3(MSH6):c.3691G>T (p.Val1231Phe)

Gene: MSH6 (mutS homolog 6; plus strand). Cytogenetic location: 2p16.3.
Variant type: single nucleotide variant.
Coding change: c.3691G>T on transcript NM_000179.3 (MANE Select); coding-DNA position 3691, G replaced by T.
Protein change: p.Val1231Phe; replaces valine 1231 with phenylalanine.
Molecular consequence: missense variant. On other transcripts: non-coding transcript variant (5).
Genome position (GRCh38, 1-based): chr2:47,806,248, G>T. VCF-style: chr2-47806248-G-T. GRCh37 (hg19) VCF-style: chr2-48033387-G-T.
Other names: c.3787G>T, p.Val1263Phe (NM_001406802.1, NM_001406795.1); c.2827G>T, p.Val943Phe (NM_001406803.1); c.3613G>T, p.Val1205Phe (NM_001406804.1); c.3394G>T, p.Val1132Phe (NM_001406805.1, NM_001406818.1, NM_001406819.1 and 10 more transcripts); c.3166G>T, p.Val1056Phe (NM_001406806.1, NM_001406807.1, NM_001406799.1); c.3691G>T, p.Val1231Phe (NM_001406808.1, NM_001406809.1, NM_001406796.1 and 1 more transcripts); c.2785G>T, p.Val929Phe (NM_001406811.1, NM_001406812.1, NM_001406814.1 and 6 more transcripts); c.3697G>T, p.Val1233Phe (NM_001406813.1); and 7 more; short protein forms V1205F, V1263F, V180F, V1056F, V1101F, V1173F, V546F, V929F.
Identifiers: ClinVar variation 5024861 (VCV005024861.1).

ClinVar aggregate classification (germline): Uncertain significance (1 of 4 stars; one submission).

Conditions:
Hereditary cancer-predisposing syndrome. Also called: Neoplastic Syndromes, Hereditary; Tumor predisposition; Hereditary neoplastic syndrome; Hereditary Cancer Syndrome. Identifiers: Orphanet 140162, MedGen C0027672, MeSH D009386, MONDO:0015356.

Submission:

Ambry Genetics
Classification: Uncertain significance for Hereditary cancer-predisposing syndrome. Last evaluated: 2026-06-16. Review status: criteria provided, single submitter. Criteria: Ambry Variant Classification Scheme 2023. Collection method: clinical testing. Allele origin: germline.
Comment: The p.V1231F variant (also known as c.3691G>T), located in coding exon 8 of the MSH6 gene, results from a G to T substitution at nucleotide position 3691. The valine at codon 1231 is replaced by phenylalanine, an amino acid with highly similar properties. This amino acid position is conserved. In addition, this alteration is predicted to be deleterious by in silico analysis. Based on the available evidence, the clinical significance of this variant remains unclear.